The following is an entry in ClinVar:

ClinVar aggregate classification (germline): Uncertain significance (1 of 4 stars; one submission).

Conditions:
Aortic valve disease 2 (AOVD2). Identifiers: MedGen C3542024, MONDO:0013902, OMIM 614823.

gnomAD v4.1: 1 of 1,231,286 alleles (0.000081%); highest among the groups gnomAD compares: Non-Finnish European, 0.0001%; no homozygotes.

Submission:

Labcorp Genetics (formerly Invitae), Labcorp
Classification: Uncertain significance for Aortic valve disease 2. Last evaluated: 2018-03-25. Review status: criteria provided, single submitter. Criteria: Invitae Variant Classification Sherloc (09022015). Collection method: clinical testing. Allele origin: germline.
Comment: This variant has not been reported in the literature in individuals with SMAD6-related disease. While this variant is not present in population databases, the frequency information is unreliable, as metrics indicate poor data quality at this position in the ExAC database. This sequence change creates a premature translational stop signal (p.Glu122*) in the SMAD6 gene. It is expected to result in an absent or disrupted protein product. The current clinical and genetic evidence is not sufficient to establish whether loss-of-function variants in SMAD6 cause disease. In summary, the available evidence is currently insufficient to determine the role of this variant in disease. Therefore, it has been classified as a Variant of Uncertain Significance.

NM_005585.5(SMAD6):c.364G>T (p.Glu122Ter)

Gene: SMAD6 (SMAD family member 6; plus strand). Cytogenetic location: 15q22.31.
Variant type: single nucleotide variant.
Coding change: c.364G>T on transcript NM_005585.5 (MANE Select); coding-DNA position 364, G replaced by T.
Protein change: p.Glu122Ter; replaces glutamic acid 122 with a stop codon.
Molecular consequence: nonsense. On other transcripts: non-coding transcript variant (1).
Genome position (GRCh38, 1-based): chr15:66,703,622, G>T. VCF-style: chr15-66703622-G-T. GRCh37 (hg19) VCF-style: chr15-66995960-G-T.
Other names: short protein forms E122*.
Identifiers: ClinVar variation 567671 (VCV000567671.6), dbSNP rs1567091529, ClinGen allele CA392949398.
Genomic context (GRCh38, chr15:66,703,622, plus strand): 5'-AGCTCCCTGCTGGACGTGGCGGAGCCGGGAGGCCCGGGCTGGCTGCCCGAGAGTGACTGC[G>T]AGACGGTGACCTGCTGTCTCTTTTCGGAGCGGGACGCCGCCGGCGCGCCCCGGGACGCCA-3'